The following is an entry in ClinVar:

ClinVar aggregate classification (germline): Likely benign (0 of 4 stars; one submission).

Conditions:
SLC35A1-related disorder. Also called: SLC35A1-related condition.

Allele frequency attached by ClinVar (database versions not stated): gnomAD exomes 0.00001; ExAC 0.00003.
gnomAD v4.1: 15 of 1,613,922 alleles (0.00093%); highest among the groups gnomAD compares: South Asian, 0.0055%; no homozygotes.

Submission:

PreventionGenetics, part of Exact Sciences
Classification: Likely benign for SLC35A1-related condition. Last evaluated: 2019-06-25. Review status: no assertion criteria provided. Collection method: clinical testing. Allele origin: germline.
Comment: This variant is classified as likely benign based on ACMG/AMP sequence variant interpretation guidelines (Richards et al. 2015 PMID: 25741868, with internal and published modifications).

NM_006416.5(SLC35A1):c.141C>T (p.Ala47=)

Gene: SLC35A1 (solute carrier family 35 member A1; plus strand). Cytogenetic location: 6q15.
Variant type: single nucleotide variant.
Coding change: c.141C>T on transcript NM_006416.5 (MANE Select); coding-DNA position 141, C replaced by T.
Protein change: p.Ala47=; no amino-acid change (alanine 47 retained).
Molecular consequence: synonymous variant.
Genome position (GRCh38, 1-based): chr6:87,477,486, C>T. VCF-style: chr6-87477486-C-T. GRCh37 (hg19) VCF-style: chr6-88187204-C-T.
Other names: c.141C>T, p.Ala47= (NM_001168398.2).
Identifiers: ClinVar variation 3043390 (VCV003043390.2), dbSNP rs762355511, ClinGen allele CA3915900.